The following is an entry in ClinVar:

ClinVar aggregate classification (germline): Likely benign (0 of 4 stars; one submission).

Conditions:
CCDC40-related disorder. Also called: CCDC40-related condition.

Allele frequency attached by ClinVar (database versions not stated): gnomAD 0.00007; TOPMed 0.00009; 1000 Genomes Project 30x 0.00016; 1000 Genomes Project 0.00020.
gnomAD v4.1: 84 of 1,535,890 alleles (0.0055%); highest among the groups gnomAD compares: African/African-American, 0.0068%; no homozygotes.

Submission:

PreventionGenetics, part of Exact Sciences
Classification: Likely benign for CCDC40-related condition. Last evaluated: 2023-09-17. Review status: no assertion criteria provided. Collection method: clinical testing. Allele origin: germline.
Comment: This variant is classified as likely benign based on ACMG/AMP sequence variant interpretation guidelines (Richards et al. 2015 PMID: 25741868, with internal and published modifications).

NM_017950.4(CCDC40):c.1562+1971C>T

Gene: CCDC40 (coiled-coil domain 40 molecular ruler complex subunit; plus strand). Cytogenetic location: 17q25.3.
Variant type: single nucleotide variant.
Coding change: c.1562+1971C>T on transcript NM_017950.4 (MANE Select); 1971 bases into the intron after coding-DNA position 1562, C replaced by T.
Molecular consequence: intron variant. On other transcripts: synonymous variant (1).
Genome position (GRCh38, 1-based): chr17:80,067,577, C>T. VCF-style: chr17-80067577-C-T. GRCh37 (hg19) VCF-style: chr17-78041376-C-T.
Other names: c.1635C>T, p.Ser545= (NM_001330508.2); c.1562+1971C>T (NM_001243342.2).
Identifiers: ClinVar variation 3047418 (VCV003047418.2), dbSNP rs376640429, ClinGen allele CA294851049.